The following is an entry in ClinVar:

ClinVar aggregate classification (germline): Uncertain significance (1 of 4 stars; one submission).

Allele frequency attached by ClinVar (database versions not stated): TOPMed below 0.00001.

Submission:

Labcorp Genetics (formerly Invitae), Labcorp
Classification: Uncertain significance. Last evaluated: 2023-04-12. Review status: criteria provided, single submitter. Criteria: Invitae Variant Classification Sherloc (09022015). Collection method: clinical testing. Allele origin: germline.
Comment: This sequence change replaces tyrosine, which is neutral and polar, with cysteine, which is neutral and slightly polar, at codon 318 of the IFT57 protein (p.Tyr318Cys). This variant is not present in population databases (gnomAD no frequency). This variant has not been reported in the literature in individuals affected with IFT57-related conditions. An algorithm developed to predict the effect of missense changes on protein structure and function (PolyPhen-2) suggests that this variant is likely to be disruptive. In summary, the available evidence is currently insufficient to determine the role of this variant in disease. Therefore, it has been classified as a Variant of Uncertain Significance.

NM_018010.4(IFT57):c.953A>G (p.Tyr318Cys)

Gene: IFT57 (intraflagellar transport 57; minus strand). Cytogenetic location: 3q13.12.
Variant type: single nucleotide variant.
Coding change: c.953A>G on transcript NM_018010.4 (MANE Select); coding-DNA position 953, A replaced by G.
Protein change: p.Tyr318Cys; replaces tyrosine 318 with cysteine.
Molecular consequence: missense variant.
Genome position (GRCh38, 1-based): chr3:108,166,882, T>C on the plus strand (A>G on the coding strand, the complement: IFT57 is on the minus strand). VCF-style: chr3-108166882-T-C. GRCh37 (hg19) VCF-style: chr3-107885729-T-C.
Other names: short protein forms Y318C.
Identifiers: ClinVar variation 2834685 (VCV002834685.3), dbSNP rs981959299, ClinGen allele CA80640447.